The following is an entry in ClinVar:

NM_001128840.3(CACNA1D):c.4967G>A (p.Arg1656His)

Gene: CACNA1D (calcium voltage-gated channel subunit alpha1 D; plus strand). Cytogenetic location: 3p21.1.
Variant type: single nucleotide variant.
Coding change: c.4967G>A on transcript NM_001128840.3 (MANE Select); coding-DNA position 4967, G replaced by A.
Protein change: p.Arg1656His; replaces arginine 1656 with histidine.
Molecular consequence: missense variant.
Genome position (GRCh38, 1-based): chr3:53,800,292, G>A. VCF-style: chr3-53800292-G-A. GRCh37 (hg19) VCF-style: chr3-53834319-G-A.
Other names: c.5027G>A, p.Arg1676His (NM_000720.4); c.4922G>A, p.Arg1641His (NM_001128839.3); short protein forms R1676H, R1656H, R1641H.
Identifiers: ClinVar variation 3681763 (VCV003681763.2).

ClinVar aggregate classification (germline): Uncertain significance (1 of 4 stars; one submission).

gnomAD v4.1: 11 of 1,614,078 alleles (0.00068%); highest among the groups gnomAD compares: Non-Finnish European, 0.00093%; no homozygotes.

Submission:

Labcorp Genetics (formerly Invitae), Labcorp
Classification: Uncertain significance. Last evaluated: 2025-12-16. Review status: criteria provided, single submitter. Criteria: Invitae Variant Classification Sherloc (09022015). Collection method: clinical testing. Allele origin: germline.
Comment: This sequence change replaces arginine, which is basic and polar, with histidine, which is basic and polar, at codon 1676 of the CACNA1D protein (p.Arg1676His). This variant is present in population databases (no rsID available, gnomAD 0.0009%). This missense change has been observed in individual(s) with autism (PMID: 38003033). This variant is also known as c.4967G>A. ClinVar contains an entry for this variant (Variation ID: 3681763). An algorithm developed to predict the effect of missense changes on protein structure and function (PolyPhen-2) suggests that this variant is likely to be disruptive. In summary, the available evidence is currently insufficient to determine the role of this variant in disease. Therefore, it has been classified as a Variant of Uncertain Significance.

Literature cited by the submitters: PubMed 38003033.